The following is an entry in ClinVar:

NM_002107.7(H3-3A):c.142_143delinsAT (p.Ala48Met)

Gene: H3-3A (H3.3 histone A; plus strand). Cytogenetic location: 1q42.12.
Variant type: Indel.
Coding change: c.142_143delinsAT on transcript NM_002107.7 (MANE Select); coding-DNA positions 142 to 143, GC replaced by AT.
Protein change: p.Ala48Met; replaces alanine 48 with methionine.
Molecular consequence: missense variant.
Genome position (GRCh38, 1-based): chr1:226,065,669-226,065,670, GC replaced by AT. VCF-style: chr1-226065669-GC-AT. GRCh37 (hg19) VCF-style: chr1-226253370-GC-AT.
Other names: c.142_143delinsAT, p.Ala48Met (NM_001379043.1, NM_001379045.1, NM_001379046.1 and 1 more transcripts); short protein forms A48M.
Identifiers: ClinVar variation 4813881 (VCV004813881.1).

ClinVar aggregate classification (germline): Uncertain significance (1 of 4 stars; one submission).

Submission:

GeneDx
Classification: Uncertain significance. Last evaluated: 2025-09-16. Review status: criteria provided, single submitter. Criteria: GeneDx Variant Classification Process June 2021. Collection method: clinical testing. Allele origin: germline. Affected: yes.
Comment: De novo variant with confirmed parentage in one individual from a cohort of patients with autism; however, further clinical information was not provided. This individual also harbored additional variants in genes potentially related to the phenotype (PMID: 35982159).; Not observed at significant frequency in large population cohorts (gnomAD); In silico analysis supports a deleterious effect on protein structure/function; This variant is associated with the following publications: (PMID: 35982159)